The following is an entry in ClinVar:

NM_005120.3(MED12):c.5320G>A (p.Ala1774Thr)

Gene: MED12 (mediator complex subunit 12; plus strand). Cytogenetic location: Xq13.1.
Variant type: single nucleotide variant.
Coding change: c.5320G>A on transcript NM_005120.3 (MANE Select); coding-DNA position 5320, G replaced by A.
Protein change: p.Ala1774Thr; replaces alanine 1774 with threonine.
Molecular consequence: missense variant.
Genome position (GRCh38, 1-based): chrX:71,136,575, G>A. VCF-style: chrX-71136575-G-A. GRCh37 (hg19) VCF-style: chrX-70356425-G-A.
Other names: c.5320G>A (NM_005120.2); short protein forms A1774T.
Identifiers: ClinVar variation 3004240 (VCV003004240.4), dbSNP rs2092333107, ClinGen allele CA413534924.

ClinVar aggregate classification (germline): Uncertain significance. Review status: criteria provided, multiple submitters, no conflicts (2 of 4 stars). 2 submissions from 2 submitters: Uncertain significance (2). Last evaluated 2024-11-18.

Conditions:
FG syndrome (FGS). Identifiers: MedGen C0220769, MONDO:0002010.
Familial thoracic aortic aneurysm and aortic dissection (TAAD). Also called: Thoracic aortic aneurysms and dissections. Identifiers: Orphanet 91387, MedGen C4707243, MONDO:0019625.

gnomAD v4.1: 2 of 1,201,922 alleles (0.00017%); highest among the groups gnomAD compares: Middle Eastern, 0.026%; no homozygotes.

Submissions (2):

Labcorp Genetics (formerly Invitae), Labcorp
Classification: Uncertain significance for FG syndrome. Last evaluated: 2024-11-18. Review status: criteria provided, single submitter. Criteria: Invitae Variant Classification Sherloc (09022015). Collection method: clinical testing. Allele origin: germline.
Comment: This sequence change replaces alanine, which is neutral and non-polar, with threonine, which is neutral and polar, at codon 1774 of the MED12 protein (p.Ala1774Thr). This variant is not present in population databases (gnomAD no frequency). This variant has not been reported in the literature in individuals affected with MED12-related conditions. ClinVar contains an entry for this variant (Variation ID: 3004240). Invitae Evidence Modeling of protein sequence and biophysical properties (such as structural, functional, and spatial information, amino acid conservation, physicochemical variation, residue mobility, and thermodynamic stability) indicates that this missense variant is not expected to disrupt MED12 protein function with a negative predictive value of 95%. In summary, the available evidence is currently insufficient to determine the role of this variant in disease. Therefore, it has been classified as a Variant of Uncertain Significance.

Ambry Genetics
Classification: Uncertain significance for Familial thoracic aortic aneurysm and aortic dissection. Last evaluated: 2024-03-08. Review status: criteria provided, single submitter. Criteria: Ambry Variant Classification Scheme 2023. Collection method: clinical testing. Allele origin: germline.
Comment: The p.A1774T variant (also known as c.5320G>A), located in coding exon 37 of the MED12 gene, results from a G to A substitution at nucleotide position 5320. The alanine at codon 1774 is replaced by threonine, an amino acid with similar properties. This amino acid position is conserved. In addition, this alteration is predicted to be tolerated by in silico analysis. Based on the available evidence, the clinical significance of this alteration remains unclear.